The following is an entry in ClinVar:

ClinVar aggregate classification (germline): Benign. Review status: criteria provided, multiple submitters, no conflicts (2 of 4 stars). 2 submissions from 2 submitters: Benign (2). Last evaluated 2018-01-13.

Conditions:
Symmetrical dyschromatosis of extremities (DSH). Also called: Dyschromatosis symmetrica hereditaria; DYSCHROMATOSIS SYMMETRICA HEREDITARIA 1; RETICULATE ACROPIGMENTATION OF DOHI; SYMMETRIC DYSCHROMATOSIS OF THE EXTREMITIES. Identifiers: Orphanet 41, MedGen C0406775, MONDO:0007483, OMIM 127400.

Allele frequency attached by ClinVar (database versions not stated): gnomAD exomes 0.22222; gnomAD 0.21349 and 0.21540; TOPMed 0.22258; 1000 Genomes Project 30x 0.19160; 1000 Genomes Project 0.19469.
gnomAD v4.1: 32,925 of 152,268 alleles (22%); highest among the groups gnomAD compares: East Asian, 33%; 4,443 homozygotes.

Submissions (2):

Illumina Laboratory Services, Illumina
Classification: Benign for Symmetrical dyschromatosis of extremities. Last evaluated: 2018-01-13. Review status: criteria provided, single submitter. Criteria: ICSL Variant Classification Criteria 13 December 2019. Collection method: clinical testing. Allele origin: germline.
Comment: This variant was observed in the ICSL laboratory as part of a predisposition screen in an ostensibly healthy population. It had not been previously curated by ICSL or reported in the Human Gene Mutation Database (HGMD: prior to June 1st, 2018), and was therefore a candidate for classification through an automated scoring system. Utilizing variant allele frequency, disease prevalence and penetrance estimates, and inheritance mode, an automated score was calculated to assess if this variant is too frequent to cause the disease. Based on the score and internal cut-off values, a variant classified as benign is not then subjected to further curation. The score for this variant resulted in a classification of benign for this disease.

Breakthrough Genomics
Classification: Benign. Review status: criteria provided, single submitter. Criteria: ACMG Guidelines, 2015. Collection method: not provided. Allele origin: germline. Inheritance: Autosomal recessive inheritance. Affected: yes.

NM_001111.5(ADAR):c.*1549T>A

Gene: ADAR (adenosine deaminase RNA specific; minus strand). Cytogenetic location: 1q21.3.
Variant type: single nucleotide variant.
Coding change: c.*1549T>A on transcript NM_001111.5 (MANE Select); 1549 bases downstream of the stop codon, T replaced by A.
Molecular consequence: 3 prime UTR variant.
Genome position (GRCh38, 1-based): chr1:154,583,257, A>T on the plus strand (T>A on the coding strand, the complement: ADAR is on the minus strand). VCF-style: chr1-154583257-A-T. GRCh37 (hg19) VCF-style: chr1-154555733-A-T.
Other names: c.*1549T>A (LRG_1212t1, NM_001025107.3, NM_001193495.2 and 7 more transcripts).
Identifiers: ClinVar variation 292721 (VCV000292721.6), dbSNP rs9616, ClinGen allele CA10607759.